The following is an entry in ClinVar:

NM_001036.6(RYR3):c.7111C>T (p.Arg2371Cys)

Gene: RYR3 (ryanodine receptor 3; plus strand). Cytogenetic location: 15q14.
Variant type: single nucleotide variant.
Coding change: c.7111C>T on transcript NM_001036.6 (MANE Select); coding-DNA position 7111, C replaced by T.
Protein change: p.Arg2371Cys; replaces arginine 2371 with cysteine.
Molecular consequence: missense variant.
Genome position (GRCh38, 1-based): chr15:33,728,934, C>T. VCF-style: chr15-33728934-C-T. GRCh37 (hg19) VCF-style: chr15-34021135-C-T.
Other names: c.7111C>T, p.Arg2371Cys (NM_001243996.4); short protein forms R2371C.
Identifiers: ClinVar variation 644180 (VCV000644180.8), dbSNP rs779706127, ClinGen allele CA7459794.

ClinVar aggregate classification (germline): Uncertain significance (1 of 4 stars; one submission).

Conditions:
Epileptic encephalopathy. Identifiers: MedGen C0543888, HP:0200134.

Allele frequency attached by ClinVar (database versions not stated): gnomAD exomes below 0.00001 and 0.00001; ExAC 0.00001.
gnomAD v4.1: 4 of 1,613,758 alleles (0.00025%); highest among the groups gnomAD compares: South Asian, 0.0022%; no homozygotes.

Submission:

Labcorp Genetics (formerly Invitae), Labcorp
Classification: Uncertain significance for Epileptic encephalopathy. Last evaluated: 2018-10-29. Review status: criteria provided, single submitter. Criteria: Invitae Variant Classification Sherloc (09022015). Collection method: clinical testing. Allele origin: germline.
Comment: This sequence change replaces arginine with cysteine at codon 2371 of the RYR3 protein (p.Arg2371Cys). The arginine residue is highly conserved and there is a large physicochemical difference between arginine and cysteine. This variant is present in population databases (rs779706127, ExAC 0.002%). This variant has not been reported in the literature in individuals with RYR3-related disease. Algorithms developed to predict the effect of missense changes on protein structure and function (SIFT, PolyPhen-2, Align-GVGD) all suggest that this variant is likely to be disruptive, but these predictions have not been confirmed by published functional studies and their clinical significance is uncertain. In summary, the available evidence is currently insufficient to determine the role of this variant in disease. Therefore, it has been classified as a Variant of Uncertain Significance.